The following is an entry in ClinVar:

ClinVar aggregate classification (germline): Uncertain significance (1 of 4 stars; one submission).

Allele frequency attached by ClinVar (database versions not stated): gnomAD 0.00001.

Submission:

Labcorp Genetics (formerly Invitae), Labcorp
Classification: Uncertain significance. Last evaluated: 2022-05-31. Review status: criteria provided, single submitter. Criteria: Invitae Variant Classification Sherloc (09022015). Collection method: clinical testing. Allele origin: germline.
Comment: This sequence change replaces glycine, which is neutral and non-polar, with serine, which is neutral and polar, at codon 632 of the LOXL3 protein (p.Gly632Ser). This variant is present in population databases (no rsID available, gnomAD 0.007%). In summary, the available evidence is currently insufficient to determine the role of this variant in disease. Therefore, it has been classified as a Variant of Uncertain Significance. Algorithms developed to predict the effect of missense changes on protein structure and function (SIFT, PolyPhen-2, Align-GVGD) all suggest that this variant is likely to be disruptive. This variant has not been reported in the literature in individuals affected with LOXL3-related conditions.

NM_032603.5(LOXL3):c.1894G>A (p.Gly632Ser)

Gene: LOXL3 (lysyl oxidase like 3; minus strand). Cytogenetic location: 2p13.1.
Variant type: single nucleotide variant.
Coding change: c.1894G>A on transcript NM_032603.5 (MANE Select); coding-DNA position 1894, G replaced by A.
Protein change: p.Gly632Ser; replaces glycine 632 with serine.
Molecular consequence: missense variant.
Genome position (GRCh38, 1-based): chr2:74,534,361, C>T on the plus strand (G>A on the coding strand, the complement: LOXL3 is on the minus strand). VCF-style: chr2-74534361-C-T. GRCh37 (hg19) VCF-style: chr2-74761488-C-T.
Other names: c.1459G>A, p.Gly487Ser (NM_001289164.3); c.811G>A, p.Gly271Ser (NM_001289165.2); short protein forms G271S, G632S, G487S.
Identifiers: ClinVar variation 2001275 (VCV002001275.3), dbSNP rs1411923252, ClinGen allele CA347385063.